The following is an entry in ClinVar:

NM_173477.5(USH1G):c.838G>A (p.Glu280Lys)

Gene: USH1G (USH1 protein network component sans; minus strand). Cytogenetic location: 17q25.1.
Variant type: single nucleotide variant.
Coding change: c.838G>A on transcript NM_173477.5 (MANE Select); coding-DNA position 838, G replaced by A.
Protein change: p.Glu280Lys; replaces glutamic acid 280 with lysine.
Molecular consequence: missense variant.
Genome position (GRCh38, 1-based): chr17:74,919,998, C>T on the plus strand (G>A on the coding strand, the complement: USH1G is on the minus strand). VCF-style: chr17-74919998-C-T. GRCh37 (hg19) VCF-style: chr17-72916093-C-T.
Other names: c.529G>A, p.Glu177Lys (NM_001282489.3); c.838G>A (NM_173477.2); short protein forms E280K, E177K.
Identifiers: ClinVar variation 1935940 (VCV001935940.7), dbSNP rs762017352, ClinGen allele CA8753991.
Genomic context (GRCh38, chr17:74,919,998, plus strand): 5'-CGGTGCTGACCTCCGAGTGGGCAGGCTCGGCCGCCAGCGTGGCACGGGAGACGCTGTCCT[C>T]GTCCGAGAGGAACATGTCCCGGAGCGGGGCTCGGCCCCACTCCTTGGGATTGGCGTAGGT-3'
Protein context (NP_775748.2, residues 270-290): APLRDMFLSD[Glu280Lys]DSVSRATLAA

ClinVar aggregate classification (germline): Uncertain significance. Review status: criteria provided, multiple submitters, no conflicts (2 of 4 stars). 3 submissions from 3 submitters: Uncertain significance (3). Last evaluated 2025-08-14.

Allele frequency attached by ClinVar (database versions not stated): ExAC 0.00003.

Submissions (3):

GeneDx
Classification: Uncertain significance. Last evaluated: 2025-08-14. Review status: criteria provided, single submitter. Criteria: GeneDx Variant Classification Process June 2021. Collection method: clinical testing. Allele origin: germline. Affected: yes.
Comment: Not observed at significant frequency in large population cohorts (gnomAD); In silico analysis supports that this missense variant has a deleterious effect on protein structure/function; Has not been previously published as pathogenic or benign to our knowledge

Blueprint Genetics
Classification: Uncertain significance. Last evaluated: 2024-04-17. Review status: criteria provided, single submitter. Criteria: ACMG Guidelines, 2015. Collection method: clinical testing. Allele origin: germline.

Labcorp Genetics (formerly Invitae), Labcorp
Classification: Uncertain significance. Last evaluated: 2022-10-13. Review status: criteria provided, single submitter. Criteria: Invitae Variant Classification Sherloc (09022015). Collection method: clinical testing. Allele origin: germline.
Comment: This variant has not been reported in the literature in individuals affected with USH1G-related conditions. This sequence change replaces glutamic acid, which is acidic and polar, with lysine, which is basic and polar, at codon 280 of the USH1G protein (p.Glu280Lys). This variant is present in population databases (rs762017352, gnomAD 0.01%). Advanced modeling of protein sequence and biophysical properties (such as structural, functional, and spatial information, amino acid conservation, physicochemical variation, residue mobility, and thermodynamic stability) performed at Invitae indicates that this missense variant is not expected to disrupt USH1G protein function. In summary, the available evidence is currently insufficient to determine the role of this variant in disease. Therefore, it has been classified as a Variant of Uncertain Significance.